The following is an entry in ClinVar:

NM_138409.4(MRAP2):c.440C>T (p.Ala147Val)

Gene: MRAP2 (melanocortin 2 receptor accessory protein 2; plus strand). Cytogenetic location: 6q14.2.
Variant type: single nucleotide variant.
Coding change: c.440C>T on transcript NM_138409.4 (MANE Select); coding-DNA position 440, C replaced by T.
Protein change: p.Ala147Val; replaces alanine 147 with valine.
Molecular consequence: missense variant.
Genome position (GRCh38, 1-based): chr6:84,089,303, C>T. VCF-style: chr6-84089303-C-T. GRCh37 (hg19) VCF-style: chr6-84799022-C-T.
Other names: c.182C>T, p.Ala61Val (NM_001346541.2); c.440C>T, p.Ala147Val (NM_001346542.2, NM_001346544.2); c.275C>T, p.Ala92Val (NM_001346543.2); short protein forms A92V, A147V, A61V.
Identifiers: ClinVar variation 4718714 (VCV004718714.1).

ClinVar aggregate classification (germline): Uncertain significance (1 of 4 stars; one submission).

Submission:

Labcorp Genetics (formerly Invitae), Labcorp
Classification: Uncertain significance. Last evaluated: 2025-04-30. Review status: criteria provided, single submitter. Criteria: Invitae Variant Classification Sherloc (09022015). Collection method: clinical testing. Allele origin: germline.
Comment: This sequence change replaces alanine, which is neutral and non-polar, with valine, which is neutral and non-polar, at codon 147 of the MRAP2 protein (p.Ala147Val). This variant is not present in population databases (gnomAD no frequency). This variant has not been reported in the literature in individuals affected with MRAP2-related conditions. An algorithm developed to predict the effect of missense changes on protein structure and function outputs the following: PolyPhen-2: "Benign". The valine amino acid residue is found in multiple mammalian species, which suggests that this missense change does not adversely affect protein function. In summary, the available evidence is currently insufficient to determine the role of this variant in disease. Therefore, it has been classified as a Variant of Uncertain Significance.